The following is an entry in ClinVar:

NM_005445.4(SMC3):c.313A>G (p.Lys105Glu)

Gene: SMC3 (structural maintenance of chromosomes 3; plus strand). Cytogenetic location: 10q25.2.
Variant type: single nucleotide variant.
Coding change: c.313A>G on transcript NM_005445.4 (MANE Select); coding-DNA position 313, A replaced by G.
Protein change: p.Lys105Glu; replaces lysine 105 with glutamic acid.
Molecular consequence: missense variant.
Genome position (GRCh38, 1-based): chr10:110,577,877, A>G. VCF-style: chr10-110577877-A-G. GRCh37 (hg19) VCF-style: chr10-112337635-A-G.
Other names: short protein forms K105E.
Identifiers: ClinVar variation 1305622 (VCV001305622.2), dbSNP rs2134719396, ClinGen allele CA378372629.
Genomic context (GRCh38, chr10:110,577,877, plus strand): 5'-TTTTACATTTTTTCTTAGATCGATAAAGAGGAAGTTTCACTTCGAAGAGTTATTGGTGCC[A>G]AAAAGGATCAGTATTTCTTAGACAAGAAGATGGTCACGTAAGCATTTTTCTTTTTTTTAA-3'
Protein context (NP_005436.1, residues 95-115): EVSLRRVIGA[Lys105Glu]KDQYFLDKKM

ClinVar aggregate classification (germline): Uncertain significance (1 of 4 stars; one submission).

Submission:

GeneDx
Classification: Uncertain significance. Last evaluated: 2019-04-29. Review status: criteria provided, single submitter. Criteria: GeneDx Variant Classification Process June 2021. Collection method: clinical testing. Allele origin: germline. Affected: yes.
Comment: Not observed in large population cohorts (Lek et al., 2016); In silico analysis, which includes protein predictors and evolutionary conservation, supports a deleterious effect; Has not been previously published as pathogenic or benign to our knowledge